The following is an entry in ClinVar:

NM_004082.5(DCTN1):c.1457G>T (p.Arg486Leu)

Gene: DCTN1 (dynactin subunit 1; minus strand). Cytogenetic location: 2p13.1.
Variant type: single nucleotide variant.
Coding change: c.1457G>T on transcript NM_004082.5 (MANE Select); coding-DNA position 1457, G replaced by T.
Protein change: p.Arg486Leu; replaces arginine 486 with leucine.
Molecular consequence: missense variant. On other transcripts: non-coding transcript variant (1).
Genome position (GRCh38, 1-based): chr2:74,369,427, C>A on the plus strand (G>T on the coding strand, the complement: DCTN1 is on the minus strand). VCF-style: chr2-74369427-C-A. GRCh37 (hg19) VCF-style: chr2-74596554-C-A.
Other names: c.1397G>T, p.Arg466Leu (NM_001135040.3); c.1055G>T, p.Arg352Leu (NM_001135041.3, NM_023019.4); c.1346G>T, p.Arg449Leu (NM_001190836.2); c.1436G>T, p.Arg479Leu (NM_001190837.2); c.1406G>T, p.Arg469Leu (NM_001378991.1); c.1388G>T, p.Arg463Leu (NM_001378992.1); short protein forms R352L, R449L, R463L, R466L, R469L, R479L, R486L.
Identifiers: ClinVar variation 3366204 (VCV003366204.1).

ClinVar aggregate classification (germline): Uncertain significance (1 of 4 stars; one submission).

Submission:

GeneDx
Classification: Uncertain significance. Last evaluated: 2023-10-18. Review status: criteria provided, single submitter. Criteria: GeneDx Variant Classification Process June 2021. Collection method: clinical testing. Allele origin: germline. Affected: yes.
Comment: Not observed at significant frequency in large population cohorts (gnomAD); In silico analysis supports that this missense variant has a deleterious effect on protein structure/function; Has not been previously published as pathogenic or benign to our knowledge